The following is an entry in ClinVar:

ClinVar aggregate classification (germline): Likely pathogenic. Review status: criteria provided, multiple submitters, no conflicts (2 of 4 stars). 3 submissions from 3 submitters: Likely pathogenic (3). Last evaluated 2025-10-05.

Conditions:
Hereditary cancer-predisposing syndrome. Also called: Tumor predisposition; Neoplastic Syndromes, Hereditary; Hereditary neoplastic syndrome; Hereditary Cancer Syndrome. Identifiers: Orphanet 140162, MedGen C0027672, MeSH D009386, MONDO:0015356.
Ataxia-telangiectasia syndrome (AT). Also called: Ataxia-telangiectasia, complementation group D; AT, COMPLEMENTATION GROUP C; ATAXIA-TELANGIECTASIA, COMPLEMENTATION GROUP A; ATAXIA-TELANGIECTASIA, FRESNO VARIANT; Ataxia-telangiectasia; Ataxia telangiectasia (A-T). Identifiers: Orphanet 100, MedGen C0004135, MONDO:0008840, OMIM 208900.

Submissions (3):

Labcorp Genetics (formerly Invitae), Labcorp
Classification: Likely pathogenic for Ataxia-telangiectasia syndrome. Last evaluated: 2025-10-05. Review status: criteria provided, single submitter. Criteria: Invitae Variant Classification Sherloc (09022015). Collection method: clinical testing. Allele origin: germline.
Comment: This sequence change affects an acceptor splice site in intron 46 of the ATM gene. It is expected to disrupt RNA splicing. Variants that disrupt the donor or acceptor splice site typically lead to a loss of protein function (PMID: 16199547), and loss-of-function variants in ATM are known to be pathogenic (PMID: 23807571, 25614872). This variant is not present in population databases (gnomAD no frequency). This variant has not been reported in the literature in individuals affected with ATM-related conditions. ClinVar contains an entry for this variant (Variation ID: 924503). Algorithms developed to predict the effect of sequence changes on RNA splicing suggest that this variant may disrupt the consensus splice site. In summary, the currently available evidence indicates that the variant is pathogenic, but additional data are needed to prove that conclusively. Therefore, this variant has been classified as Likely Pathogenic.

Ambry Genetics
Classification: Likely pathogenic for Hereditary cancer-predisposing syndrome. Last evaluated: 2021-12-06. Review status: criteria provided, single submitter. Criteria: Ambry Variant Classification Scheme 2023. Collection method: clinical testing. Allele origin: germline.
Comment: The c.6808-1G>C intronic variant results from a G to C substitution one nucleotide upstream from coding exon 46 of the ATM gene. Alterations that disrupt the canonical splice site are expected to result in aberrant splicing. In silico splice site analysis predicts that this alteration will weaken the native splice acceptor site and may result in the creation or strengthening of a novel splice acceptor site. The resulting transcript is predicted to be in-frame and is not expected to trigger nonsense-mediated mRNA decay. RNA studies have demonstrated that this alteration results in abnormal splicing in the set of samples tested (Ambry internal data). The exact functional effect of the altered amino acid sequence is unknown; however, the impacted region is critical for protein function (Ambry internal data). This variant is considered to be rare based on population cohorts in the Genome Aggregation Database (gnomAD). This nucleotide position is highly conserved in available vertebrate species. Based on the majority of available evidence to date, this variant is likely to be pathogenic.

Color Diagnostics, LLC DBA Color Health
Classification: Likely pathogenic for Hereditary cancer-predisposing syndrome. Last evaluated: 2020-05-20. Review status: criteria provided, single submitter. Criteria: ACMG Guidelines, 2015. Collection method: clinical testing. Allele origin: germline.
Comment: This variant causes a G to C nucleotide substitution at the -1 position of intron 46 of the ATM gene. Splice site prediction tools predict that this variant may have a significant impact on RNA splicing. Although this prediction has not been confirmed in published RNA studies, this variant is expected to result in an absent or disrupted protein product. This variant has not been reported in individuals affected with hereditary cancer in the literature. This variant has not been identified in the general population by the Genome Aggregation Database (gnomAD). Loss of ATM function is a known mechanism of disease. Based on the available evidence, this variant is classified as Likely Pathogenic.

Literature cited by the submitters: PubMed 16199547 (cited by Labcorp Genetics (formerly Invitae), Labcorp); PubMed 23807571 (cited by Labcorp Genetics (formerly Invitae), Labcorp); PubMed 25614872 (cited by Labcorp Genetics (formerly Invitae), Labcorp).

NM_000051.4(ATM):c.6808-1G>C

Genes: ATM (ATM serine/threonine kinase; plus strand), C11orf65 (chromosome 11 open reading frame 65; minus strand). Cytogenetic location: 11q22.3.
Variant type: single nucleotide variant.
Coding change: c.6808-1G>C on transcript NM_000051.4 (MANE Select); the canonical splice acceptor site of the intron before coding-DNA position 6808, G replaced by C.
Molecular consequence: splice acceptor variant. On other transcripts: intron variant (2).
Genome position (GRCh38, 1-based): chr11:108,326,057, G>C. VCF-style: chr11-108326057-G-C. GRCh37 (hg19) VCF-style: chr11-108196784-G-C.
Other names: c.6808-1G>C (NM_001351834.2); c.641-16986C>G (NM_001330368.2); c.*38+9163C>G (NM_001351110.2).
Identifiers: ClinVar variation 924503 (VCV000924503.6), dbSNP rs2085644916, ClinGen allele CA382556421.
Genomic context (GRCh38, chr11:108,326,057, plus strand): 5'-TATTCATGGTAGTAGTATCAGTAGTAAAAGTATTTATTCCCATATGTCATTTTCATTTCA[G>C]CTCCCTGAAAGGGCAATATTTCAAATTAAACAGTACAATTCAGTTAGCTGTGGAGTCTCT-3'